The following is an entry in ClinVar:

ClinVar aggregate classification (germline): Benign. Review status: criteria provided, multiple submitters, no conflicts (2 of 4 stars). 2 submissions from 2 submitters: Benign (2). Last evaluated 2018-06-15.

Allele frequency attached by ClinVar (database versions not stated): 1000 Genomes Project 0.46685; 1000 Genomes Project 30x 0.47923; TOPMed 0.59490; gnomAD 0.60961 and 0.62116.
gnomAD v4.1: 530,262 of 861,848 alleles (62%); highest among the groups gnomAD compares: Non-Finnish European, 68%; 170,767 homozygotes.

Submissions (2):

GeneDx
Classification: Benign. Last evaluated: 2018-06-15. Review status: criteria provided, single submitter. Criteria: GeneDx Variant Classification (06012015). Collection method: clinical testing. Allele origin: germline. Affected: yes.
Comment: This variant is considered likely benign or benign based on one or more of the following criteria: it is a conservative change, it occurs at a poorly conserved position in the protein, it is predicted to be benign by multiple in silico algorithms, and/or has population frequency not consistent with disease.

Breakthrough Genomics
Classification: Benign. Review status: criteria provided, single submitter. Criteria: ACMG Guidelines, 2015. Collection method: not provided. Allele origin: germline. Inheritance: Autosomal dominant inheritance. Affected: yes.

NM_001005242.3(PKP2):c.2358-104C>G

Gene: PKP2 (plakophilin 2; minus strand). Cytogenetic location: 12p11.21.
Variant type: single nucleotide variant.
Coding change: c.2358-104C>G on transcript NM_001005242.3 (MANE Select); 104 bases into the intron before coding-DNA position 2358, C replaced by G.
Molecular consequence: intron variant.
Genome position (GRCh38, 1-based): chr12:32,792,835, G>C on the plus strand (C>G on the coding strand, the complement: PKP2 is on the minus strand). VCF-style: chr12-32792835-G-C. GRCh37 (hg19) VCF-style: chr12-32945769-G-C.
Other names: c.2490-104C>G (NM_004572.4).
Identifiers: ClinVar variation 672158 (VCV000672158.2), dbSNP rs6488092, ClinGen allele CA13585693.